The following is an entry in ClinVar:

ClinVar aggregate classification (germline): Uncertain significance (1 of 4 stars; one submission).

Submission:

Labcorp Genetics (formerly Invitae), Labcorp
Classification: Uncertain significance. Last evaluated: 2024-10-21. Review status: criteria provided, single submitter. Criteria: Invitae Variant Classification Sherloc (09022015). Collection method: clinical testing. Allele origin: germline.
Comment: This sequence change falls in intron 3 of the ANKZF1 gene. It does not directly change the encoded amino acid sequence of the ANKZF1 protein. This variant is not present in population databases (gnomAD no frequency). This variant has not been reported in the literature in individuals affected with ANKZF1-related conditions. Algorithms developed to predict the effect of sequence changes on RNA splicing suggest that this variant may disrupt the consensus splice site. In summary, the available evidence is currently insufficient to determine the role of this variant in disease. Therefore, it has been classified as a Variant of Uncertain Significance.

NM_018089.3(ANKZF1):c.262-9T>G

Gene: ANKZF1 (ankyrin repeat and zinc finger peptidyl tRNA hydrolase 1; plus strand). Cytogenetic location: 2q35.
Variant type: single nucleotide variant.
Coding change: c.262-9T>G on transcript NM_018089.3 (MANE Select); 9 bases into the intron before coding-DNA position 262, T replaced by G.
Molecular consequence: intron variant.
Genome position (GRCh38, 1-based): chr2:219,232,251, T>G. VCF-style: chr2-219232251-T-G. GRCh37 (hg19) VCF-style: chr2-220096973-T-G.
Other names: c.262-9T>G (NM_001042410.2); c.-266-239T>G (NM_001282792.2).
Identifiers: ClinVar variation 3723417 (VCV003723417.2).